The following is an entry in ClinVar:

ClinVar aggregate classification (germline): Likely benign (1 of 4 stars; one submission).

gnomAD v4.1: 87 of 1,592,696 alleles (0.0055%); highest among the groups gnomAD compares: African/African-American, 0.1%; no homozygotes.

Submission:

Mayo Clinic Laboratories, Mayo Clinic
Classification: Likely benign. Last evaluated: 2025-09-04. Review status: criteria provided, single submitter. Criteria: ACMG Guidelines, 2015. Collection method: clinical testing. Allele origin: germline. Observed: 1 variant allele.
Comment: BS1, BP4, BP7

NM_016203.4(PRKAG2):c.1052-30T>C

Gene: PRKAG2 (protein kinase AMP-activated non-catalytic subunit gamma 2; minus strand). Cytogenetic location: 7q36.1.
Variant type: single nucleotide variant.
Coding change: c.1052-30T>C on transcript NM_016203.4 (MANE Select); 30 bases into the intron before coding-DNA position 1052, T replaced by C.
Molecular consequence: intron variant.
Genome position (GRCh38, 1-based): chr7:151,570,255, A>G on the plus strand (T>C on the coding strand, the complement: PRKAG2 is on the minus strand). VCF-style: chr7-151570255-A-G. GRCh37 (hg19) VCF-style: chr7-151267341-A-G.
Other names: p.?; c.761-30T>C (NM_001407031.1); c.764-30T>C (NM_001407030.1); c.1049-30T>C (NM_001407023.1, NM_001407022.1); c.1052-30T>C (NM_001407021.1); c.734-30T>C (NM_001407032.1); c.917-30T>C (NM_001407026.1, NM_001407027.1); c.920-30T>C (NM_001040633.2, NM_001407024.1); and 7 more.
Identifiers: ClinVar variation 4683321 (VCV004683321.1).
Genomic context (GRCh38, chr7:151,570,255, plus strand): 5'-AAAGGCTTAAATGTTTCTTGTAAATAAAGCTCTGTATTTATAGAAAGAAAATATGCAGTT[A>G]GTAACACATTTGCTGTTTGCAGTTATAACACAAATTCAAATACCCTTCAGTTTACGGTTA-3'